The following is an entry in ClinVar:

ClinVar aggregate classification (germline): Uncertain significance (1 of 4 stars; one submission).

Allele frequency attached by ClinVar (database versions not stated): gnomAD exomes below 0.00001.
gnomAD v4.1: 2 of 1,613,826 alleles (0.00012%); highest among the groups gnomAD compares: Non-Finnish European, 0.00017%; no homozygotes.

Submission:

GeneDx
Classification: Uncertain significance. Last evaluated: 2021-04-23. Review status: criteria provided, single submitter. Criteria: GeneDx Variant Classification Process June 2021. Collection method: clinical testing. Allele origin: germline. Affected: yes.
Comment: Not observed in large population cohorts (Lek et al., 2016); In silico analysis supports that this missense variant has a deleterious effect on protein structure/function; Has not been previously published as pathogenic or benign to our knowledge

NM_000128.4(F11):c.1628A>G (p.Glu543Gly)

Genes: F11 (coagulation factor XI; plus strand), F11-AS1 (F11 antisense RNA 1; minus strand). Cytogenetic location: 4q35.2.
Variant type: single nucleotide variant.
Coding change: c.1628A>G on transcript NM_000128.4 (MANE Select); coding-DNA position 1628, A replaced by G.
Protein change: p.Glu543Gly; replaces glutamic acid 543 with glycine.
Molecular consequence: missense variant.
Genome position (GRCh38, 1-based): chr4:186,287,735, A>G. VCF-style: chr4-186287735-A-G. GRCh37 (hg19) VCF-style: chr4-187208889-A-G.
Other names: short protein forms E543G.
Identifiers: ClinVar variation 1314799 (VCV001314799.2), dbSNP rs2126787863, ClinGen allele CA358945554.